The following is an entry in ClinVar:

NM_001849.4(COL6A2):c.856G>T (p.Gly286Ter)

Gene: COL6A2 (collagen type VI alpha 2 chain; plus strand). Cytogenetic location: 21q22.3.
Variant type: single nucleotide variant.
Coding change: c.856G>T on transcript NM_001849.4 (MANE Select); coding-DNA position 856, G replaced by T.
Protein change: p.Gly286Ter; replaces glycine 286 with a stop codon.
Molecular consequence: nonsense.
Genome position (GRCh38, 1-based): chr21:46,116,009, G>T. VCF-style: chr21-46116009-G-T. GRCh37 (hg19) VCF-style: chr21-47535923-G-T.
Other names: c.856G>T, p.Gly286Ter (NM_058174.3, NM_058175.3); short protein forms G286*.
Identifiers: ClinVar variation 2856777 (VCV002856777.3), dbSNP rs2123626018, ClinGen allele CA410525061.
Genomic context (GRCh38, chr21:46,116,009, plus strand): 5'-GCCCCGCCTGCAGCCCAGCGCCCCAGGGCTGGGCTCACACTGCTGCGTTGTCCTTCACAG[G>T]GAGACCCGGGCATCGAAGGCCCCATTGGATTCCCAGGACCCAAGGTGAGTGACCTCGGCC-3'

ClinVar aggregate classification (germline): Pathogenic (1 of 4 stars; one submission).

Conditions:
Bethlem myopathy 1A. Also called: Bethlem myopathy 1; MYOPATHY, BENIGN CONGENITAL, WITH CONTRACTURES; Bethlem Muscular Dystrophy. Identifiers: Orphanet 610, MedGen CN029274, MONDO:0024530, OMIM 158810.

gnomAD v4.1: 1 of 1,610,172 alleles (0.000062%); highest among the groups gnomAD compares: East Asian, 0.0022%; no homozygotes.

Submission:

Labcorp Genetics (formerly Invitae), Labcorp
Classification: Pathogenic for Bethlem myopathy 1A. Last evaluated: 2023-05-19. Review status: criteria provided, single submitter. Criteria: Invitae Variant Classification Sherloc (09022015). Collection method: clinical testing. Allele origin: germline.
Comment: For these reasons, this variant has been classified as Pathogenic. This variant has not been reported in the literature in individuals affected with COL6A2-related conditions. This variant is not present in population databases (gnomAD no frequency). This sequence change creates a premature translational stop signal (p.Gly286*) in the COL6A2 gene. It is expected to result in an absent or disrupted protein product. Loss-of-function variants in COL6A2 are known to be pathogenic (PMID: 19884007, 20976770).

Literature cited by the submitters: PubMed 19884007; PubMed 20976770.